The following is an entry in ClinVar:

NM_031407.7(HUWE1):c.1348C>T (p.His450Tyr)

Gene: HUWE1 (HECT, UBA and WWE domain containing E3 ubiquitin protein ligase 1; minus strand). Cytogenetic location: Xp11.22.
Variant type: single nucleotide variant.
Coding change: c.1348C>T on transcript NM_031407.7 (MANE Select); coding-DNA position 1348, C replaced by T.
Protein change: p.His450Tyr; replaces histidine 450 with tyrosine.
Molecular consequence: missense variant.
Genome position (GRCh38, 1-based): chrX:53,627,774, G>A on the plus strand (C>T on the coding strand, the complement: HUWE1 is on the minus strand). VCF-style: chrX-53627774-G-A. GRCh37 (hg19) VCF-style: chrX-53654725-G-A.
Other names: c.1348C>T (NM_031407.4); short protein forms H450Y.
Identifiers: ClinVar variation 194677 (VCV000194677.6), dbSNP rs797044657, ClinGen allele CA240784.
Genomic context (GRCh38, chrX:53,627,774, plus strand): 5'-CAAAGCATTCCTTGTATAATAATACCTCAAGTCTATAAATGAAGATAGAAAGTCCACTAT[G>A]GGATTGAAAAGCTGCCATATCCAGGTTGGTGATAAGGTCAACCACTCTGACGGCTCTGGT-3'
Protein context (NP_113584.3, residues 440-460): TNLDMAAFQS[His450Tyr]SGLSIFIYRL

ClinVar aggregate classification (germline): Uncertain significance. Review status: criteria provided, multiple submitters, no conflicts (2 of 4 stars). 2 submissions from 2 submitters: Uncertain significance (2). Last evaluated 2025-05-21.

Submissions (2):

GeneDx
Classification: Uncertain significance. Last evaluated: 2025-05-21. Review status: criteria provided, single submitter. Criteria: GeneDx Variant Classification Process June 2021. Collection method: clinical testing. Allele origin: germline. Affected: yes.
Comment: Not observed at significant frequency in large population cohorts (gnomAD); In silico analysis supports that this missense variant has a deleterious effect on protein structure/function; Has not been previously published as pathogenic or benign to our knowledge

Eurofins Ntd Llc (ga)
Classification: Uncertain significance. Last evaluated: 2017-11-18. Review status: criteria provided, single submitter. Criteria: EGL Classification Definitions 2015. Collection method: clinical testing. Allele origin: germline. Observed: 2 variant alleles, 1 heterozygote, 1 hemizygote.